The following is an entry in ClinVar:

ClinVar aggregate classification (germline): Conflicting classifications of pathogenicity. Review status: criteria provided, conflicting classifications (1 of 4 stars). 2 submissions from 2 submitters: Pathogenic (1); Uncertain significance (1). Last evaluated 2025-06-06.

Conditions:
Inborn genetic diseases. Identifiers: MedGen C0950123, MeSH D030342.

Submissions (2):

Ambry Genetics
Classification: Uncertain significance for Inborn genetic diseases. Last evaluated: 2025-06-06. Review status: criteria provided, single submitter. Criteria: Ambry Variant Classification Scheme 2023. Collection method: clinical testing. Allele origin: germline.
Comment: The c.2371G>T (p.G791C) alteration is located in exon 7 (coding exon 7) of the ARID1B gene. This alteration results from a G to T substitution at nucleotide position 2371, causing the glycine (G) at amino acid position 791 to be replaced by a cysteine (C). This change occurs in the last base pair of coding exon7, which makes it likely to have some effect on normal mRNA splicing. This variant was not reported in population-based cohorts in the Genome Aggregation Database (gnomAD). This variant has been reported in one individual in an autism cohort but clinical details were limited (Zhou, 2022). Multiple other alterations impacting the same donor site (c.2371+1G>A, c.2371+2T>C, c.2371+5G>A) have been described in individuals with features consistent with ARID1B-related Coffin-Siris syndrome (Lord, 2019; Lu, 2021; van der Sluijs, 2021; Levy, 2022; Ambry internal data). This nucleotide position is highly conserved in available vertebrate species. This amino acid position is highly conserved in available vertebrate species. The in silico prediction for this amino acid alteration is inconclusive. In silico splice site analysis predicts that this nucleotide alteration will weaken the native splice donor site. Based on insufficient or conflicting evidence, the clinical significance of this alteration remains unclear.

GeneDx
Classification: Pathogenic. Last evaluated: 2024-10-16. Review status: criteria provided, single submitter. Criteria: GeneDx Variant Classification Process June 2021. Collection method: clinical testing. Allele origin: germline. Affected: yes.
Comment: Reported as a de novo variant in a large cohort study of patients with neurodevelopmental disorders (PMID: 33057194); In silico analysis supports a deleterious effect on splicing; RNA studies demonstrate that this variant leads to abnormal splicing (PMID: 38113761); Not observed at significant frequency in large population cohorts (gnomAD); This variant is associated with the following publications: (PMID: 33057194, 37500730, 35982159, 38113761)

Literature cited by the submitters: PubMed 30587507 (cited by Ambry Genetics); PubMed 34440449 (cited by Ambry Genetics); PubMed 34775996 (cited by Ambry Genetics); PubMed 35904121 (cited by Ambry Genetics); PubMed 35982159 (cited by Ambry Genetics).

NM_001374828.1(ARID1B):c.2581G>T (p.Gly861Cys)

Gene: ARID1B (AT-rich interaction domain 1B; plus strand). Cytogenetic location: 6q25.3.
Variant type: single nucleotide variant.
Coding change: c.2581G>T on transcript NM_001374828.1 (MANE Select); coding-DNA position 2581, G replaced by T.
Protein change: p.Gly861Cys; replaces glycine 861 with cysteine.
Molecular consequence: missense variant.
Genome position (GRCh38, 1-based): chr6:157,110,561, G>T. VCF-style: chr6-157110561-G-T. GRCh37 (hg19) VCF-style: chr6-157431695-G-T.
Other names: c.2371G>T (NM_020732.3); c.82G>T, p.Gly28Cys (NM_001363725.2); c.2620G>T, p.Gly874Cys (NM_001371656.1, NM_001374820.1); c.2581G>T, p.Gly861Cys (NM_017519.3); short protein forms G28C, G861C, G874C.
Identifiers: ClinVar variation 3314371 (VCV003314371.3).